The following is an entry in ClinVar:

ClinVar aggregate classification (germline): Uncertain significance. Review status: criteria provided, multiple submitters, no conflicts (2 of 4 stars). 2 submissions from 2 submitters: Uncertain significance (2). Last evaluated 2024-10-16.

Submissions (2):

Ambry Genetics
Classification: Uncertain significance. Last evaluated: 2024-10-16. Review status: criteria provided, single submitter. Criteria: Ambry Variant Classification Scheme 2023. Collection method: clinical testing. Allele origin: germline.

Labcorp Genetics (formerly Invitae), Labcorp
Classification: Uncertain significance. Last evaluated: 2024-06-05. Review status: criteria provided, single submitter. Criteria: Invitae Variant Classification Sherloc (09022015). Collection method: clinical testing. Allele origin: germline.
Comment: This sequence change replaces glycine, which is neutral and non-polar, with serine, which is neutral and polar, at codon 250 of the ICOSLG protein (p.Gly250Ser). This variant is not present in population databases (gnomAD no frequency). This variant has not been reported in the literature in individuals affected with ICOSLG-related conditions. Algorithms developed to predict the effect of missense changes on protein structure and function output the following: SIFT: "Not Available"; PolyPhen-2: "Benign"; Align-GVGD: "Not Available". The serine amino acid residue is found in multiple mammalian species, which suggests that this missense change does not adversely affect protein function. In summary, the available evidence is currently insufficient to determine the role of this variant in disease. Therefore, it has been classified as a Variant of Uncertain Significance.

NM_015259.6(ICOSLG):c.748G>A (p.Gly250Ser)

Gene: ICOSLG (inducible T cell costimulator ligand; minus strand). Cytogenetic location: 21q22.3.
Variant type: single nucleotide variant.
Coding change: c.748G>A on transcript NM_015259.6 (MANE Select); coding-DNA position 748, G replaced by A.
Protein change: p.Gly250Ser; replaces glycine 250 with serine.
Molecular consequence: missense variant.
Genome position (GRCh38, 1-based): chr21:44,231,394, C>T on the plus strand (G>A on the coding strand, the complement: ICOSLG is on the minus strand). VCF-style: chr21-44231394-C-T. GRCh37 (hg19) VCF-style: chr21-45651277-C-T.
Other names: c.748G>A, p.Gly250Ser (NM_001283050.2, NM_001395918.1); c.397G>A, p.Gly133Ser (NM_001283051.2); c.493G>A, p.Gly165Ser (NM_001283052.2); c.667G>A, p.Gly223Ser (NM_001365759.2); short protein forms G223S, G165S, G250S, G133S.
Identifiers: ClinVar variation 3527465 (VCV003527465.3).